The following is an entry in ClinVar:

NM_001093.4(ACACB):c.2778+3G>A

Gene: ACACB (acetyl-CoA carboxylase beta; plus strand). Cytogenetic location: 12q24.11.
Variant type: single nucleotide variant.
Coding change: c.2778+3G>A on transcript NM_001093.4 (MANE Select); 3 bases into the intron after coding-DNA position 2778, G replaced by A.
Molecular consequence: intron variant. On other transcripts: synonymous variant (1).
Genome position (GRCh38, 1-based): chr12:109,199,555, G>A. VCF-style: chr12-109199555-G-A. GRCh37 (hg19) VCF-style: chr12-109637360-G-A.
Other names: c.2175G>A, p.Val725= (NM_001412742.1); c.2778+3G>A (NM_001412734.1, NM_001412735.1); c.2151+3G>A (NM_001412737.1); c.2172+3G>A (NM_001412736.1, NM_001412738.1, NM_001412739.1 and 1 more transcripts).
Identifiers: ClinVar variation 4986434 (VCV004986434.1).

ClinVar aggregate classification (germline): Likely benign (1 of 4 stars; one submission).

Conditions:
ACACB-related disorder. Also called: ACACB-related condition.

gnomAD v4.1: 309 of 1,462,022 alleles (0.021%); highest among the groups gnomAD compares: Non-Finnish European, 0.025%; no homozygotes.

Submission:

PreventionGenetics, part of Exact Sciences
Classification: Likely benign for ACACB-related condition. Last evaluated: 2024-11-21. Review status: criteria provided, single submitter. Criteria: ACMG Guidelines, 2015. Collection method: clinical testing. Allele origin: germline.
Comment: This variant is classified as likely benign based on ACMG/AMP sequence variant interpretation guidelines (Richards et al. 2015 PMID: 25741868, with internal and published modifications).